The following is an entry in ClinVar:

NM_006767.4(LZTR1):c.2462_2463del (p.Ile821fs)

Gene: LZTR1 (leucine zipper like post translational regulator 1; plus strand). Cytogenetic location: 22q11.21.
Variant type: Deletion.
Coding change: c.2462_2463del on transcript NM_006767.4 (MANE Select); coding-DNA positions 2462 to 2463, 2 bases deleted (TA; older notation c.2462_2463delTA).
Protein change: p.Ile821fs; shifts the reading frame from isoleucine 821.
Molecular consequence: frameshift variant.
Genome position (GRCh38, 1-based): chr22:20,997,287-20,997,288, TA deleted; deleting any 2 consecutive bases within chr22:20,997,286-20,997,288 gives the same sequence; the c. name uses the placement nearest the transcript's 3' end. VCF-style (leftmost placement, unchanged base first): chr22-20997285-CAT-C. GRCh37 (hg19) VCF-style: chr22-21351574-CAT-C.
Other names: short protein forms I821fs.
Identifiers: ClinVar variation 1791646 (VCV001791646.7), dbSNP rs770771182, ClinGen allele CA10119469.
Genomic context (GRCh38, chr22:20,997,285, plus strand): 5'-CTTACAGGTCTCCAAGTTGCCCACCCTGCGGTCGCTGAGCCAGCAGCTGCTGCTGGACAT[CAT>C]AGACTCCCTGGCCTCCCACATCTCAGACAAGCAGTGCGCAGAGCTGGGCGCCGACATCTG-3'

ClinVar aggregate classification (germline): Conflicting classifications of pathogenicity. Review status: criteria provided, conflicting classifications (1 of 4 stars). 3 submissions from 3 submitters: Likely pathogenic (1); Uncertain significance (2). Last evaluated 2025-09-23.

Conditions:
Hereditary cancer-predisposing syndrome. Also called: Hereditary Cancer Syndrome; Hereditary neoplastic syndrome; Tumor predisposition; Neoplastic Syndromes, Hereditary. Identifiers: Orphanet 140162, MedGen C0027672, MeSH D009386, MONDO:0015356.
Cardiovascular phenotype. Identifiers: MedGen CN230736.
LZTR1-related schwannomatosis. Also called: Schwannomatosis-2, susceptibility to; Schwannomatosis 2. Identifiers: Orphanet 93921, MedGen C3810283, MONDO:0014299, OMIM 615670.

Submissions (3):

Institute for Genomic Medicine (IGM) Clinical Laboratory, Nationwide Children's Hospital
Classification: Uncertain significance for LZTR1-related schwannomatosis. Last evaluated: 2025-09-23. Review status: criteria provided, single submitter. Criteria: ACMG Guidelines, 2015. Collection method: clinical testing. Allele origin: germline.
Comment: This variant is predicted to result in an in-frame insertion or deletion in a non-repetitive region (ACMG/AMP: PM4).

Labcorp Genetics (formerly Invitae), Labcorp
Classification: Uncertain significance. Last evaluated: 2025-07-09. Review status: criteria provided, single submitter. Criteria: Invitae Variant Classification Sherloc (09022015). Collection method: clinical testing. Allele origin: germline.
Comment: This sequence change is expected to alter the c-terminus of the LZTR1 protein (p.Ile821Argfs*29). While this is not anticipated to result in nonsense mediated decay, it is expected to disrupt the last 20 amino acid(s) of the LZTR1 protein and extend the protein by 8 additional amino acid residues. This variant is present in population databases (rs770771182, gnomAD 0.006%). This variant has not been reported in the literature in individuals affected with LZTR1-related conditions. ClinVar contains an entry for this variant (Variation ID: 1791646). In summary, the available evidence is currently insufficient to determine the role of this variant in disease. Therefore, it has been classified as a Variant of Uncertain Significance.

Ambry Genetics
Classification: Likely pathogenic for Cardiovascular phenotype; Hereditary cancer-predisposing syndrome. Last evaluated: 2025-01-08. Review status: criteria provided, single submitter. Criteria: Ambry Variant Classification Scheme 2023. Collection method: clinical testing. Allele origin: germline.
Comment: The c.2462_2463delTA variant, located in coding exon 21 of the LZTR1 gene, results from a deletion of two nucleotides at nucleotide positions 2462 to 2463, causing a translational frameshift with a predicted alternate stop codon (p.I821Rfs*29). This alteration occurs at the 3' terminus of the LZTR1 gene, is not expected to trigger nonsense-mediated mRNA decay and results in the elongation of the protein by eight amino acids. This frameshift impacts the last 2.4% of the native protein. However, frameshifts are typically deleterious in nature. This variant was paternally inherited and confirmed in trans with another likely pathogenic LZTR1 variant (c.1943-256C>T) in an infant with features consistent with Noonan syndrome, including prenatally diagnosed hypertrophic cardiomyopathy (Yu QX et al. Prenat Diagn, 2023 Dec;43:1662-1665). Based on the supporting evidence, this variant is likely pathogenic for an increased risk of LZTR1-related schwannomatosis (SWN) and would be expected to cause autosomal recessive Noonan syndrome when present along with a second pathogenic or likely pathogenic variant on the other allele.

Literature cited by the submitters: PubMed 37936555 (cited by Ambry Genetics).